The following is an entry in ClinVar:

ClinVar aggregate classification (germline): Conflicting classifications of pathogenicity. Review status: criteria provided, conflicting classifications (1 of 4 stars). 4 submissions from 4 submitters: Uncertain significance (2); Likely benign (2). Last evaluated 2025-07-12.

Allele frequency attached by ClinVar (database versions not stated): gnomAD exomes 0.00002 and 0.00008; ExAC 0.00012; gnomAD 0.00034 and 0.00036; 1000 Genomes Project 0.00040; TOPMed 0.00040; 1000 Genomes Project 30x 0.00047; ESP Exome Variant Server 0.00054.
gnomAD v4.1: 85 of 1,614,036 alleles (0.0053%); highest among the groups gnomAD compares: African/African-American, 0.11%; 1 homozygote.

Submissions (4):

Ambry Genetics
Classification: Uncertain significance. Last evaluated: 2025-07-12. Review status: criteria provided, single submitter. Criteria: Ambry Variant Classification Scheme 2023. Collection method: clinical testing. Allele origin: germline.

CeGaT Center for Human Genetics Tuebingen
Classification: Likely benign. Last evaluated: 2025-05-01. Review status: criteria provided, single submitter. Criteria: CeGaT Center For Human Genetics Tuebingen Variant Classification Criteria Version 2. Collection method: clinical testing. Allele origin: germline. Affected: yes. Observed: 1 variant allele.
Comment: CEP250: BP4

Labcorp Genetics (formerly Invitae), Labcorp
Classification: Uncertain significance. Last evaluated: 2024-11-11. Review status: criteria provided, single submitter. Criteria: Invitae Variant Classification Sherloc (09022015). Collection method: clinical testing. Allele origin: germline.
Comment: This sequence change replaces arginine, which is basic and polar, with threonine, which is neutral and polar, at codon 890 of the CEP250 protein (p.Arg890Thr). This variant is present in population databases (rs144024361, gnomAD 0.1%). This variant has not been reported in the literature in individuals affected with CEP250-related conditions. ClinVar contains an entry for this variant (Variation ID: 954040). An algorithm developed to predict the effect of missense changes on protein structure and function (PolyPhen-2) suggests that this variant is likely to be disruptive. In summary, the available evidence is currently insufficient to determine the role of this variant in disease. Therefore, it has been classified as a Variant of Uncertain Significance.

Blueprint Genetics
Classification: Likely benign. Last evaluated: 2024-02-12. Review status: criteria provided, single submitter. Criteria: ACMG Guidelines, 2015. Collection method: clinical testing. Allele origin: germline.

NM_007186.6(CEP250):c.2669G>C (p.Arg890Thr)

Genes: CEP250 (centrosomal protein 250; plus strand), CEP250-AS1 (CEP250 antisense RNA 1; minus strand). Cytogenetic location: 20q11.22.
Variant type: single nucleotide variant.
Coding change: c.2669G>C on transcript NM_007186.6 (MANE Select); coding-DNA position 2669, G replaced by C.
Protein change: p.Arg890Thr; replaces arginine 890 with threonine.
Molecular consequence: missense variant.
Genome position (GRCh38, 1-based): chr20:35,490,719, G>C. VCF-style: chr20-35490719-G-C. GRCh37 (hg19) VCF-style: chr20-34078545-G-C.
Other names: c.773G>C, p.Arg258Thr (NM_001318219.1); c.2669G>C (NM_007186.3); short protein forms R890T, R258T.
Identifiers: ClinVar variation 954040 (VCV000954040.19), dbSNP rs144024361, ClinGen allele CA9833247.